The following is an entry in ClinVar:

NM_003079.5(SMARCE1):c.110A>G (p.Asn37Ser)

Gene: SMARCE1 (SWI/SNF related BAF chromatin remodeling complex subunit E1; minus strand). Cytogenetic location: 17q21.2.
Variant type: single nucleotide variant.
Coding change: c.110A>G on transcript NM_003079.5 (MANE Select); coding-DNA position 110, A replaced by G.
Protein change: p.Asn37Ser; replaces asparagine 37 with serine.
Molecular consequence: missense variant.
Genome position (GRCh38, 1-based): chr17:40,642,501, T>C on the plus strand (A>G on the coding strand, the complement: SMARCE1 is on the minus strand). VCF-style: chr17-40642501-T-C. GRCh37 (hg19) VCF-style: chr17-38798753-T-C.
Other names: short protein forms N37S.
Identifiers: ClinVar variation 822195 (VCV000822195.14), dbSNP rs1597749763, ClinGen allele CA399369770.

ClinVar aggregate classification (germline): Conflicting classifications of pathogenicity. Review status: criteria provided, conflicting classifications (1 of 4 stars). 2 submissions from 2 submitters: Uncertain significance (1); Likely benign (1). Last evaluated 2025-11-17.

Conditions:
Hereditary cancer-predisposing syndrome. Also called: Tumor predisposition; Hereditary Cancer Syndrome; Neoplastic Syndromes, Hereditary; Hereditary neoplastic syndrome. Identifiers: Orphanet 140162, MedGen C0027672, MeSH D009386, MONDO:0015356.
Familial meningioma. Also called: Meningioma, familial, susceptibility to. Identifiers: Orphanet 263662, MedGen C3551915, MONDO:0011789, OMIM 607174.

Allele frequency attached by ClinVar (database versions not stated): gnomAD exomes below 0.00001.
gnomAD v4.1: 3 of 1,612,918 alleles (0.00019%); highest among the groups gnomAD compares: Middle Eastern, 0.019%; no homozygotes.

Submissions (2):

Labcorp Genetics (formerly Invitae), Labcorp
Classification: Uncertain significance for Familial meningioma. Last evaluated: 2025-11-17. Review status: criteria provided, single submitter. Criteria: Invitae Variant Classification Sherloc (09022015). Collection method: clinical testing. Allele origin: germline.
Comment: This sequence change replaces asparagine, which is neutral and polar, with serine, which is neutral and polar, at codon 37 of the SMARCE1 protein (p.Asn37Ser). This variant is not present in population databases (gnomAD no frequency). This variant has not been reported in the literature in individuals affected with SMARCE1-related conditions. ClinVar contains an entry for this variant (Variation ID: 822195). Invitae Evidence Modeling of protein sequence and biophysical properties (such as structural, functional, and spatial information, amino acid conservation, physicochemical variation, residue mobility, and thermodynamic stability) indicates that this missense variant is not expected to disrupt SMARCE1 protein function with a negative predictive value of 80%. In summary, the available evidence is currently insufficient to determine the role of this variant in disease. Therefore, it has been classified as a Variant of Uncertain Significance.

Ambry Genetics
Classification: Likely benign for Hereditary cancer-predisposing syndrome. Last evaluated: 2022-03-10. Review status: criteria provided, single submitter. Criteria: Ambry Variant Classification Scheme 2023. Collection method: clinical testing. Allele origin: germline.